The following is an entry in ClinVar:

NM_003072.5(SMARCA4):c.96G>A (p.Pro32=)

Gene: SMARCA4 (SWI/SNF related BAF chromatin remodeling complex subunit ATPase 4; plus strand). Cytogenetic location: 19p13.2.
Variant type: single nucleotide variant.
Coding change: c.96G>A on transcript NM_003072.5 (MANE Select); coding-DNA position 96, G replaced by A.
Protein change: p.Pro32=; no amino-acid change (proline 32 retained).
Molecular consequence: synonymous variant. On other transcripts: non-coding transcript variant (1).
Genome position (GRCh38, 1-based): chr19:10,984,247, G>A. VCF-style: chr19-10984247-G-A. GRCh37 (hg19) VCF-style: chr19-11094923-G-A.
Other names: c.96G>A, p.Pro32= (NM_001128844.3, NM_001128845.2, NM_001128846.2 and 5 more transcripts).
Identifiers: ClinVar variation 408662 (VCV000408662.20), dbSNP rs761597013, ClinGen allele CA9203397.

ClinVar aggregate classification (germline): Benign/Likely benign. Review status: criteria provided, multiple submitters, no conflicts (2 of 4 stars). 5 submissions from 5 submitters: Benign (1); Likely benign (3). 1 of the submissions does not count toward it. Last evaluated 2026-07-08.

Conditions:
SMARCA4-related disorder. Also called: SMARCA4-related condition.
Rhabdoid tumor predisposition syndrome 2 (RTPS2). Identifiers: Orphanet 231108, Orphanet 69077, MedGen C2750074, MONDO:0013224, OMIM 613325.
Hereditary cancer-predisposing syndrome. Also called: Hereditary Cancer Syndrome; Hereditary neoplastic syndrome; Neoplastic Syndromes, Hereditary; Tumor predisposition. Identifiers: Orphanet 140162, MedGen C0027672, MeSH D009386, MONDO:0015356.

Allele frequency attached by ClinVar (database versions not stated): ExAC 0.00003; gnomAD 0.00004 and 0.00003; gnomAD exomes 0.00001 and 0.00003; TOPMed 0.00003.
gnomAD v4.1: 50 of 1,612,358 alleles (0.0031%); highest among the groups gnomAD compares: Middle Eastern, 0.017%; no homozygotes.

Submissions (5):

Myriad Genetics, Inc.
Classification: Benign for Rhabdoid tumor predisposition syndrome 2. Last evaluated: 2026-07-08. Review status: criteria provided, single submitter. Criteria: Myriad Autosomal Dominant, Autosomal Recessive and X-Linked Classification Criteria (2023). Collection method: clinical testing. Allele origin: unknown.
Comment: This variant is considered benign. This variant is a silent/synonymous amino acid change and it is not expected to impact splicing.

Labcorp Genetics (formerly Invitae), Labcorp
Classification: Likely benign for Rhabdoid tumor predisposition syndrome 2. Last evaluated: 2025-12-09. Review status: criteria provided, single submitter. Criteria: Invitae Variant Classification Sherloc (09022015). Collection method: clinical testing. Allele origin: germline.

Blueprint Genetics
Classification: Likely benign. Last evaluated: 2024-09-12. Review status: criteria provided, single submitter. Criteria: ACMG Guidelines, 2015. Collection method: clinical testing. Allele origin: germline.

Ambry Genetics
Classification: Likely benign for Hereditary cancer-predisposing syndrome. Last evaluated: 2015-10-12. Review status: criteria provided, single submitter. Criteria: Ambry Variant Classification Scheme 2023. Collection method: clinical testing. Allele origin: germline.

PreventionGenetics, part of Exact Sciences
Classification: Likely benign for SMARCA4-related condition. Last evaluated: 2024-02-22. Review status: no assertion criteria provided. Collection method: clinical testing. Allele origin: germline. Not counted in ClinVar's aggregate classification.
Comment: This variant is classified as likely benign based on ACMG/AMP sequence variant interpretation guidelines (Richards et al. 2015 PMID: 25741868, with internal and published modifications).